The following is an entry in ClinVar:

NM_205836.3(FBXO38):c.128+6A>G

Gene: FBXO38 (F-box protein 38; plus strand). Cytogenetic location: 5q32.
Variant type: single nucleotide variant.
Coding change: c.128+6A>G on transcript NM_205836.3 (MANE Select); 6 bases into the intron after coding-DNA position 128, A replaced by G.
Molecular consequence: intron variant.
Genome position (GRCh38, 1-based): chr5:148,394,910, A>G. VCF-style: chr5-148394910-A-G. GRCh37 (hg19) VCF-style: chr5-147774473-A-G.
Other names: c.128+6A>G (NM_030793.5, NM_001271723.2).
Identifiers: ClinVar variation 1908401 (VCV001908401.5), dbSNP rs376515064, ClinGen allele CA3496958.

ClinVar aggregate classification (germline): Uncertain significance (1 of 4 stars; one submission).

Conditions:
Distal hereditary motor neuropathy type 2. Identifiers: Orphanet 139525, MedGen C3711384, MeSH C580044, MONDO:0015352.

Allele frequency attached by ClinVar (database versions not stated): ExAC 0.00002; ESP Exome Variant Server 0.00008.
gnomAD v4.1: 24 of 1,569,568 alleles (0.0015%); highest among the groups gnomAD compares: Non-Finnish European, 0.0021%; no homozygotes.

Submission:

Labcorp Genetics (formerly Invitae), Labcorp
Classification: Uncertain significance for Distal hereditary motor neuropathy type 2. Last evaluated: 2024-01-19. Review status: criteria provided, single submitter. Criteria: Invitae Variant Classification Sherloc (09022015). Collection method: clinical testing. Allele origin: germline.
Comment: This sequence change falls in intron 2 of the FBXO38 gene. It does not directly change the encoded amino acid sequence of the FBXO38 protein. It affects a nucleotide within the consensus splice site. This variant is present in population databases (rs376515064, gnomAD 0.003%). This variant has not been reported in the literature in individuals affected with FBXO38-related conditions. ClinVar contains an entry for this variant (Variation ID: 1908401). Variants that disrupt the consensus splice site are a relatively common cause of aberrant splicing (PMID: 17576681, 9536098). Algorithms developed to predict the effect of sequence changes on RNA splicing suggest that this variant is not likely to affect RNA splicing. In summary, the available evidence is currently insufficient to determine the role of this variant in disease. Therefore, it has been classified as a Variant of Uncertain Significance.

Literature cited by the submitters: PubMed 17576681; PubMed 9536098.